The following is an entry in ClinVar:

ClinVar aggregate classification (germline): Likely benign. Review status: criteria provided, multiple submitters, no conflicts (2 of 4 stars). 2 submissions from 2 submitters: Likely benign (2). Last evaluated 2018-06-19.

Allele frequency attached by ClinVar (database versions not stated): 1000 Genomes Project 30x 0.00921; 1000 Genomes Project 0.00998; gnomAD 0.01645 and 0.01690; TOPMed 0.01909.
gnomAD v4.1: 25,916 of 1,552,098 alleles (1.7%); highest among the groups gnomAD compares: Middle Eastern, 5.9%; 312 homozygotes.

Submissions (2):

GeneDx
Classification: Likely benign. Last evaluated: 2018-06-19. Review status: criteria provided, single submitter. Criteria: GeneDx Variant Classification (06012015). Collection method: clinical testing. Allele origin: germline. Affected: yes.
Comment: This variant is considered likely benign or benign based on one or more of the following criteria: it is a conservative change, it occurs at a poorly conserved position in the protein, it is predicted to be benign by multiple in silico algorithms, and/or has population frequency not consistent with disease.

Breakthrough Genomics
Classification: Likely benign. Review status: criteria provided, single submitter. Criteria: ACMG Guidelines, 2015. Collection method: not provided. Allele origin: germline. Inheritance: Autosomal dominant inheritance. Affected: yes.

NM_017617.5(NOTCH1):c.2588-93C>T

Gene: NOTCH1 (notch receptor 1; minus strand). Cytogenetic location: 9q34.3.
Variant type: single nucleotide variant.
Coding change: c.2588-93C>T on transcript NM_017617.5 (MANE Select); 93 bases into the intron before coding-DNA position 2588, C replaced by T.
Molecular consequence: intron variant.
Genome position (GRCh38, 1-based): chr9:136,510,898, G>A on the plus strand (C>T on the coding strand, the complement: NOTCH1 is on the minus strand). VCF-style: chr9-136510898-G-A. GRCh37 (hg19) VCF-style: chr9-139405350-G-A.
Identifiers: ClinVar variation 679862 (VCV000679862.2), dbSNP rs117063264, ClinGen allele CA201583687.